The following is an entry in ClinVar:

ClinVar aggregate classification (germline): Likely benign. Review status: reviewed by expert panel (3 of 4 stars). 4 submissions from 4 submitters: Likely benign (1). 3 of the submissions do not count toward it. Last evaluated 2017-06-29.

Conditions:
Hereditary breast ovarian cancer syndrome. Also called: Hereditary breast and ovarian cancer; Hereditary breast and ovarian cancer syndrome; Breast and ovarian cancer; Hereditary breast and ovarian cancer syndrome (HBOC); Hereditary breast and/or ovarian cancer syndrome; BRCA1- and BRCA2-Associated Hereditary Breast and Ovarian Cancer. Identifiers: Orphanet 145, MedGen C0677776, MeSH D061325, MONDO:0003582. Disease mechanism: loss of function.
Hereditary cancer-predisposing syndrome. Also called: Hereditary Cancer Syndrome; Neoplastic Syndromes, Hereditary; Tumor predisposition; Hereditary neoplastic syndrome. Identifiers: Orphanet 140162, MedGen C0027672, MeSH D009386, MONDO:0015356.
Breast-ovarian cancer, familial, susceptibility to, 2 (BROVCA2). Also called: BRCA2 Hereditary Breast and Ovarian Cancer. Identifiers: Orphanet 145, MedGen C2675520, MONDO:0012933, OMIM 612555. Disease mechanism: loss of function.

Submissions (4):

Evidence-based Network for the Interpretation of Germline Mutant Alleles (ENIGMA)
Classification: Likely benign for Breast-ovarian cancer, familial, susceptibility to, 2. Last evaluated: 2017-06-29. Review status: reviewed by expert panel. Criteria: ENIGMA BRCA1/2 Classification Criteria (2017-06-29). Collection method: curation. Allele origin: germline.
Comment: Synonymous substitution variant, with low bioinformatic likelihood to result in a splicing aberration (Splicing prior probability 0.02).

Color Diagnostics, LLC DBA Color Health
Classification: Likely benign for Hereditary cancer-predisposing syndrome. Last evaluated: 2025-07-08. Review status: criteria provided, single submitter. Criteria: ACMG Guidelines, 2015. Collection method: clinical testing. Allele origin: germline. Not counted in ClinVar's aggregate classification.

Labcorp Genetics (formerly Invitae), Labcorp
Classification: Likely benign for Hereditary breast ovarian cancer syndrome. Last evaluated: 2025-04-28. Review status: criteria provided, single submitter. Criteria: Invitae Variant Classification Sherloc (09022015). Collection method: clinical testing. Allele origin: germline. Not counted in ClinVar's aggregate classification.

Ambry Genetics
Classification: Likely benign for Hereditary cancer-predisposing syndrome. Last evaluated: 2014-11-26. Review status: criteria provided, single submitter. Criteria: Ambry Variant Classification Scheme 2023. Collection method: clinical testing. Allele origin: germline. Not counted in ClinVar's aggregate classification.

NM_000059.4(BRCA2):c.5697T>C (p.Asp1899=)

Gene: BRCA2 (BRCA2 DNA repair associated; plus strand). Cytogenetic location: 13q13.1.
Variant type: single nucleotide variant.
Coding change: c.5697T>C on transcript NM_000059.4 (MANE Select); coding-DNA position 5697, T replaced by C.
Protein change: p.Asp1899=; no amino-acid change (aspartic acid 1899 retained).
Molecular consequence: synonymous variant.
Genome position (GRCh38, 1-based): chr13:32,340,052, T>C. VCF-style: chr13-32340052-T-C. GRCh37 (hg19) VCF-style: chr13-32914189-T-C.
Identifiers: ClinVar variation 187227 (VCV000187227.16), dbSNP rs786203565, ClinGen allele CA022998.